The following is an entry in ClinVar:

NM_130388.4(ASB12):c.388G>C (p.Ala130Pro)

Gene: ASB12 (ankyrin repeat and SOCS box containing 12; minus strand). Cytogenetic location: Xq11.2.
Variant type: single nucleotide variant.
Coding change: c.388G>C on transcript NM_130388.4 (MANE Select); coding-DNA position 388, G replaced by C.
Protein change: p.Ala130Pro; replaces alanine 130 with proline.
Molecular consequence: missense variant.
Genome position (GRCh38, 1-based): chrX:64,225,263, C>G on the plus strand (G>C on the coding strand, the complement: ASB12 is on the minus strand). VCF-style: chrX-64225263-C-G. GRCh37 (hg19) VCF-style: chrX-63445143-C-G.
Other names: short protein forms A130P.
Identifiers: ClinVar variation 2660749 (VCV002660749.24), dbSNP rs143910837, ClinGen allele CA10432671.

ClinVar aggregate classification (germline): Likely benign (1 of 4 stars; one submission).

Allele frequency attached by ClinVar (database versions not stated): gnomAD 0.00017; TOPMed 0.00019; ExAC 0.00021; ESP Exome Variant Server 0.00047.

Submission:

CeGaT Center for Human Genetics Tuebingen
Classification: Likely benign. Last evaluated: 2022-12-01. Review status: criteria provided, single submitter. Criteria: CeGaT Center For Human Genetics Tuebingen Variant Classification Criteria Version 2. Collection method: clinical testing. Allele origin: germline. Affected: yes. Observed: 1 variant allele.
Comment: ASB12: BP4, BS2